The following is an entry in ClinVar:

ClinVar aggregate classification (germline): Pathogenic (1 of 4 stars; one submission).

Conditions:
Duchenne muscular dystrophy (DMD). Also called: Duchenne Muscular Dystrophy (DMD); MUSCULAR DYSTROPHY, PSEUDOHYPERTROPHIC PROGRESSIVE, DUCHENNE TYPE. Identifiers: Orphanet 98896, MedGen C0013264, MONDO:0010679, OMIM 310200.

Submission:

Labcorp Genetics (formerly Invitae), Labcorp
Classification: Pathogenic for Duchenne muscular dystrophy. Last evaluated: 2023-10-13. Review status: criteria provided, single submitter. Criteria: Invitae Variant Classification Sherloc (09022015). Collection method: clinical testing. Allele origin: germline.
Comment: This variant is a gross deletion of the genomic region encompassing exon(s) 1-44 of the DMD gene, which includes the initiator codon. This deletion extends beyond the assayed region for this gene and therefore may encompass additional genes. It is expected to result in an absent or disrupted protein product. Loss-of-function variants in DMD are known to be pathogenic (PMID: 16770791, 25007885). A similar copy number variant has been observed in individuals with Duchenne muscular dystrophy (PMID: 17259292, 18055393, 31727011). For these reasons, this variant has been classified as Pathogenic.

Literature cited by the submitters: PubMed 16770791; PubMed 25007885; PubMed 17259292; PubMed 18055393; PubMed 31727011.

NC_000023.10:g.(?_32235013)_(33229429_?)del

Gene: DMD (dystrophin; minus strand). Cytogenetic location: Xp21.1.
Variant type: Deletion.
Identifiers: ClinVar variation 1460418 (VCV001460418.8).